The following is an entry in ClinVar:

NM_006721.4(ADK):c.620A>C (p.Asn207Thr)

Genes: ADK (adenosine kinase; plus strand), ADK-AS1 (ADK antisense RNA 1; minus strand). Cytogenetic location: 10q22.2.
Variant type: single nucleotide variant.
Coding change: c.620A>C on transcript NM_006721.4 (MANE Select); coding-DNA position 620, A replaced by C.
Protein change: p.Asn207Thr; replaces asparagine 207 with threonine.
Molecular consequence: missense variant. On other transcripts: intron variant (2).
Genome position (GRCh38, 1-based): chr10:74,525,320, A>C. VCF-style: chr10-74525320-A-C. GRCh37 (hg19) VCF-style: chr10-76285078-A-C.
Other names: c.569A>C, p.Asn190Thr (NM_001123.4); c.515A>C, p.Asn172Thr (NM_001202449.2); c.620A>C, p.Asn207Thr (NM_001369123.1); c.556-63962A>C (NM_001202450.2); c.505-63962A>C (NM_001369124.1); short protein forms N207T, N172T, N190T.
Identifiers: ClinVar variation 1381381 (VCV001381381.6), dbSNP rs2133621185, ClinGen allele CA377397952.

ClinVar aggregate classification (germline): Uncertain significance (1 of 4 stars; one submission).

Submission:

Labcorp Genetics (formerly Invitae), Labcorp
Classification: Uncertain significance. Last evaluated: 2022-03-09. Review status: criteria provided, single submitter. Criteria: Invitae Variant Classification Sherloc (09022015). Collection method: clinical testing. Allele origin: germline.
Comment: Algorithms developed to predict the effect of missense changes on protein structure and function are either unavailable or do not agree on the potential impact of this missense change (SIFT: "Deleterious"; PolyPhen-2: "Benign"; Align-GVGD: "Class C0"). In summary, the available evidence is currently insufficient to determine the role of this variant in disease. Therefore, it has been classified as a Variant of Uncertain Significance. This variant has not been reported in the literature in individuals affected with ADK-related conditions. This variant is not present in population databases (gnomAD no frequency). This sequence change replaces asparagine, which is neutral and polar, with threonine, which is neutral and polar, at codon 190 of the ADK protein (p.Asn190Thr).